The following is an entry in ClinVar:

ClinVar aggregate classification (germline): Uncertain significance (1 of 4 stars; one submission).

Conditions:
Aortic valve disease 2 (AOVD2). Identifiers: MedGen C3542024, MONDO:0013902, OMIM 614823.

gnomAD v4.1: 1 of 1,416,466 alleles (0.000071%); no homozygotes.

Submission:

Labcorp Genetics (formerly Invitae), Labcorp
Classification: Uncertain significance for Aortic valve disease 2. Last evaluated: 2025-11-25. Review status: criteria provided, single submitter. Criteria: Invitae Variant Classification Sherloc (09022015). Collection method: clinical testing. Allele origin: germline.
Comment: This sequence change replaces glutamic acid, which is acidic and polar, with lysine, which is basic and polar, at codon 169 of the SMAD6 protein (p.Glu169Lys). This variant is not present in population databases (gnomAD no frequency). This variant has not been reported in the literature in individuals affected with SMAD6-related conditions. Invitae Evidence Modeling of protein sequence and biophysical properties (such as structural, functional, and spatial information, amino acid conservation, physicochemical variation, residue mobility, and thermodynamic stability) indicates that this missense variant is not expected to disrupt SMAD6 protein function with a negative predictive value of 80%. In summary, the available evidence is currently insufficient to determine the role of this variant in disease. Therefore, it has been classified as a Variant of Uncertain Significance.

NM_005585.5(SMAD6):c.505G>A (p.Glu169Lys)

Gene: SMAD6 (SMAD family member 6; plus strand). Cytogenetic location: 15q22.31.
Variant type: single nucleotide variant.
Coding change: c.505G>A on transcript NM_005585.5 (MANE Select); coding-DNA position 505, G replaced by A.
Protein change: p.Glu169Lys; replaces glutamic acid 169 with lysine.
Molecular consequence: missense variant. On other transcripts: non-coding transcript variant (1).
Genome position (GRCh38, 1-based): chr15:66,703,763, G>A. VCF-style: chr15-66703763-G-A. GRCh37 (hg19) VCF-style: chr15-66996101-G-A.
Other names: short protein forms E169K.
Identifiers: ClinVar variation 4781757 (VCV004781757.1).
Genomic context (GRCh38, chr15:66,703,763, plus strand): 5'-GCCCTGGAGCCGGCGGGCGGCGGGCGGAGTCGCGAAGCGCGCTCGCGGCTGCTGCTGCTG[G>A]AGCAGGAACTCAAAACCGTCACGTACTCGCTGCTGAAGCGGCTCAAGGAGCGCTCGCTGG-3'
Protein context (NP_005576.3, residues 159-179): REARSRLLLL[Glu169Lys]QELKTVTYSL